The following is an entry in ClinVar:

ClinVar aggregate classification (germline): Uncertain significance (1 of 4 stars; one submission).

Allele frequency attached by ClinVar (database versions not stated): gnomAD exomes below 0.00001.
gnomAD v4.1: 1 of 1,613,626 alleles (0.000062%); highest among the groups gnomAD compares: Non-Finnish European, 0.000085%; no homozygotes.

Submission:

Labcorp Genetics (formerly Invitae), Labcorp
Classification: Uncertain significance. Last evaluated: 2021-07-03. Review status: criteria provided, single submitter. Criteria: Invitae Variant Classification Sherloc (09022015). Collection method: clinical testing. Allele origin: germline.
Comment: This sequence change replaces asparagine with serine at codon 859 of the MTHFD1 protein (p.Asn859Ser). The asparagine residue is highly conserved and there is a small physicochemical difference between asparagine and serine. This variant is not present in population databases (ExAC no frequency). This variant has not been reported in the literature in individuals affected with MTHFD1-related conditions. Algorithms developed to predict the effect of missense changes on protein structure and function are either unavailable or do not agree on the potential impact of this missense change (SIFT: "Deleterious"; PolyPhen-2: "Benign"; Align-GVGD: "Class C0"). In summary, the available evidence is currently insufficient to determine the role of this variant in disease. Therefore, it has been classified as a Variant of Uncertain Significance.

NM_005956.4(MTHFD1):c.2576A>G (p.Asn859Ser)

Genes: MTHFD1 (methylenetetrahydrofolate dehydrogenase, cyclohydrolase and formyltetrahydrofolate synthetase 1; plus strand), ZBTB25 (zinc finger and BTB domain containing 25; minus strand). Cytogenetic location: 14q23.3.
Variant type: single nucleotide variant.
Coding change: c.2576A>G on transcript NM_005956.4 (MANE Select); coding-DNA position 2576, A replaced by G.
Protein change: p.Asn859Ser; replaces asparagine 859 with serine.
Molecular consequence: missense variant. On other transcripts: intron variant (1).
Genome position (GRCh38, 1-based): chr14:64,454,733, A>G. VCF-style: chr14-64454733-A-G. GRCh37 (hg19) VCF-style: chr14-64921451-A-G.
Other names: c.2576A>G, p.Asn859Ser (NM_001364837.1); c.174-5095T>C (NM_001304508.1); short protein forms N859S.
Identifiers: ClinVar variation 1478145 (VCV001478145.9), dbSNP rs2140988995, ClinGen allele CA390003456.